The following is an entry in ClinVar:

NM_001384140.1(PCDH15):c.239A>G (p.Asn80Ser)

Gene: PCDH15 (protocadherin related 15; minus strand). Cytogenetic location: 10q21.1.
Variant type: single nucleotide variant.
Coding change: c.239A>G on transcript NM_001384140.1 (MANE Select); coding-DNA position 239, A replaced by G.
Protein change: p.Asn80Ser; replaces asparagine 80 with serine.
Molecular consequence: missense variant.
Genome position (GRCh38, 1-based): chr10:54,378,861, T>C on the plus strand (A>G on the coding strand, the complement: PCDH15 is on the minus strand). VCF-style: chr10-54378861-T-C. GRCh37 (hg19) VCF-style: chr10-56138621-T-C.
Other names: c.254A>G, p.Asn85Ser (NM_001142763.2, NM_001142769.4, NM_001142771.2); c.239A>G, p.Asn80Ser (NM_001142764.2, NM_001142765.2, NM_001142766.2 and 8 more transcripts); c.173A>G, p.Asn58Ser (NM_001142768.2, NM_001142773.2, NM_001354404.2); short protein forms N80S, N58S, N85S.
Identifiers: ClinVar variation 2050201 (VCV002050201.4), dbSNP rs757144722, ClinGen allele CA376540576.

ClinVar aggregate classification (germline): Uncertain significance (1 of 4 stars; one submission).

gnomAD v4.1: 1 of 1,613,874 alleles (0.000062%); highest among the groups gnomAD compares: Non-Finnish European, 0.000085%; no homozygotes.

Submission:

Labcorp Genetics (formerly Invitae), Labcorp
Classification: Uncertain significance. Last evaluated: 2022-07-12. Review status: criteria provided, single submitter. Criteria: Invitae Variant Classification Sherloc (09022015). Collection method: clinical testing. Allele origin: germline.
Comment: In summary, the available evidence is currently insufficient to determine the role of this variant in disease. Therefore, it has been classified as a Variant of Uncertain Significance. Algorithms developed to predict the effect of missense changes on protein structure and function are either unavailable or do not agree on the potential impact of this missense change (SIFT: "Tolerated"; PolyPhen-2: "Probably Damaging"; Align-GVGD: "Class C0"). This variant has not been reported in the literature in individuals affected with PCDH15-related conditions. This variant is not present in population databases (gnomAD no frequency). This sequence change replaces asparagine, which is neutral and polar, with serine, which is neutral and polar, at codon 80 of the PCDH15 protein (p.Asn80Ser).